The following is an entry in ClinVar:

NM_002180.3(IGHMBP2):c.92G>A (p.Trp31Ter)

Gene: IGHMBP2 (immunoglobulin mu DNA binding protein 2; plus strand). Cytogenetic location: 11q13.3.
Variant type: single nucleotide variant.
Coding change: c.92G>A on transcript NM_002180.3 (MANE Select); coding-DNA position 92, G replaced by A.
Protein change: p.Trp31Ter; replaces tryptophan 31 with a stop codon.
Molecular consequence: nonsense.
Genome position (GRCh38, 1-based): chr11:68,906,074, G>A. VCF-style: chr11-68906074-G-A. GRCh37 (hg19) VCF-style: chr11-68673542-G-A.
Other names: short protein forms W31*.
Identifiers: ClinVar variation 242499 (VCV000242499.6), dbSNP rs863224880, ClinGen allele CA351262.

ClinVar aggregate classification (germline): Pathogenic. Review status: criteria provided, multiple submitters, no conflicts (2 of 4 stars). 2 submissions from 2 submitters: Pathogenic (2). Last evaluated 2024-04-03.

Conditions:
Autosomal recessive distal spinal muscular atrophy 1. Also called: HMN VI; NEURONOPATHY, SEVERE INFANTILE AXONAL, WITH RESPIRATORY FAILURE; NEURONOPATHY, DISTAL HEREDITARY MOTOR, HARDING TYPE VI; NEUROPATHY, DISTAL HEREDITARY MOTOR, AUTOSOMAL RECESSIVE 1; SEVERE INFANTILE AXONAL NEUROPATHY WITH RESPIRATORY FAILURE; SPINAL MUSCULAR ATROPHY, DIAPHRAGMATIC. Identifiers: Orphanet 98920, MedGen C1858517, MONDO:0011436, OMIM 604320.
Charcot-Marie-Tooth disease axonal type 2S. Also called: CHARCOT-MARIE-TOOTH DISEASE, AXONAL, AUTOSOMAL RECESSIVE, TYPE 2S; CHARCOT-MARIE-TOOTH NEUROPATHY, TYPE 2S. Identifiers: Orphanet 443073, MedGen C4015349, MONDO:0014511, OMIM 616155.
Severe muscular hypotonia. Also called: Severe hypotonia. Identifiers: MedGen C1839630, HP:0006829.
Ptosis. Also called: Ptosis (disease). Identifiers: MedGen C0005745, MONDO:0000728, HP:0000508.
Failure to thrive. Also called: Pediatric failure to thrive. Identifiers: MedGen C2315100, HP:0001508.
Respiratory distress. Identifiers: MedGen C0476273, HP:0002098.
Clonus. Identifiers: MedGen C0009024, HP:0002169.
Hyperreflexia (HRX). Identifiers: MedGen C0151889, MONDO:0007774, OMIM 145290, HP:0001347.
Tachypnea. Identifiers: MedGen C0231835, HP:0002789.

Submissions (2):

Labcorp Genetics (formerly Invitae), Labcorp
Classification: Pathogenic for Autosomal recessive distal spinal muscular atrophy 1; Charcot-Marie-Tooth disease axonal type 2S. Last evaluated: 2024-04-03. Review status: criteria provided, single submitter. Criteria: Invitae Variant Classification Sherloc (09022015). Collection method: clinical testing. Allele origin: germline.
Comment: This sequence change creates a premature translational stop signal (p.Trp31*) in the IGHMBP2 gene. It is expected to result in an absent or disrupted protein product. Loss-of-function variants in IGHMBP2 are known to be pathogenic (PMID: 14681881, 25439726, 25568292). This variant is not present in population databases (gnomAD no frequency). This premature translational stop signal has been observed in individual(s) with distal spinomuscular atrophy (PMID: 25326637). ClinVar contains an entry for this variant (Variation ID: 242499). For these reasons, this variant has been classified as Pathogenic.

Center for Personalized Medicine, Children's Hospital Los Angeles
Classification: Pathogenic for Clonus; Failure to thrive; Hyperreflexia; Ptosis; Respiratory distress; Severe muscular hypotonia; Tachypnea. Last evaluated: 2016-02-16. Review status: criteria provided, single submitter. Criteria: ACMG Guidelines, 2015. Collection method: clinical testing. Allele origin: germline. Affected: yes.

Literature cited by the submitters: PubMed 14681881 (cited by Labcorp Genetics (formerly Invitae), Labcorp); PubMed 25439726 (cited by Labcorp Genetics (formerly Invitae), Labcorp); PubMed 25568292 (cited by Labcorp Genetics (formerly Invitae), Labcorp); PubMed 25326637 (cited by Labcorp Genetics (formerly Invitae), Labcorp).